The following is an entry in ClinVar:

ClinVar aggregate classification (germline): Uncertain significance (1 of 4 stars; one submission).

Allele frequency attached by ClinVar (database versions not stated): TOPMed below 0.00001; gnomAD 0.00001.
gnomAD v4.1: 2 of 1,613,716 alleles (0.00012%); highest among the groups gnomAD compares: Admixed American, 0.0033%; no homozygotes.

Submission:

Labcorp Genetics (formerly Invitae), Labcorp
Classification: Uncertain significance. Last evaluated: 2024-02-24. Review status: criteria provided, single submitter. Criteria: Invitae Variant Classification Sherloc (09022015). Collection method: clinical testing. Allele origin: germline.
Comment: This sequence change replaces alanine, which is neutral and non-polar, with threonine, which is neutral and polar, at codon 692 of the IMPG1 protein (p.Ala692Thr). This variant is not present in population databases (gnomAD no frequency). This variant has not been reported in the literature in individuals affected with IMPG1-related conditions. ClinVar contains an entry for this variant (Variation ID: 2421889). An algorithm developed to predict the effect of missense changes on protein structure and function (PolyPhen-2) suggests that this variant is likely to be disruptive. In summary, the available evidence is currently insufficient to determine the role of this variant in disease. Therefore, it has been classified as a Variant of Uncertain Significance.

NM_001563.4(IMPG1):c.2074G>A (p.Ala692Thr)

Gene: IMPG1 (interphotoreceptor matrix proteoglycan 1; minus strand). Cytogenetic location: 6q14.1.
Variant type: single nucleotide variant.
Coding change: c.2074G>A on transcript NM_001563.4 (MANE Select); coding-DNA position 2074, G replaced by A.
Protein change: p.Ala692Thr; replaces alanine 692 with threonine.
Molecular consequence: missense variant.
Genome position (GRCh38, 1-based): chr6:75,931,122, C>T on the plus strand (G>A on the coding strand, the complement: IMPG1 is on the minus strand). VCF-style: chr6-75931122-C-T. GRCh37 (hg19) VCF-style: chr6-76640839-C-T.
Other names: c.1840G>A, p.Ala614Thr (NM_001282368.2); short protein forms A614T, A692T.
Identifiers: ClinVar variation 2421889 (VCV002421889.6), dbSNP rs1781662384, ClinGen allele CA364770134.
Genomic context (GRCh38, chr6:75,931,122, plus strand): 5'-AGCGACACTCCGCTTCCTCAGTCCGTTCGTTCTTTACACATTGGGCAAATTCGCCGCAGG[C>T]CAGGAACTTGCAGGGATCTGCTTGATCAGCTGTAAGAAATGGGGCAGATTTTAACGCATG-3'
Protein context (NP_001554.2, residues 682-702): ADQADPCKFL[Ala692Thr]CGEFAQCVKN